The following is an entry in ClinVar:

NM_000260.4(MYO7A):c.2282+5G>A

Gene: MYO7A (myosin VIIA; plus strand). Cytogenetic location: 11q13.5.
Variant type: single nucleotide variant.
Coding change: c.2282+5G>A on transcript NM_000260.4 (MANE Select); 5 bases into the intron after coding-DNA position 2282, G replaced by A.
Molecular consequence: intron variant.
Genome position (GRCh38, 1-based): chr11:77,177,648, G>A. VCF-style: chr11-77177648-G-A. GRCh37 (hg19) VCF-style: chr11-76888694-G-A.
Other names: c.2249+5G>A (NM_001369365.1); c.2282+5G>A (NM_001127180.2).
Identifiers: ClinVar variation 306174 (VCV000306174.15), dbSNP rs540145750, ClinGen allele CA6197779.
Genomic context (GRCh38, chr11:77,177,648, plus strand): 5'-GCCATCACCGACAGAGTCATCCTCCTTCAGAAAGTCATCCGGGGATTCAAAGACAGGTGC[G>A]TGTTCCCACCAGCTCCTCCCCTCCTCAGCCCACATACAGGTGTACGTGTGGTGTTTGGCT-3'

ClinVar aggregate classification (germline): Uncertain significance. Review status: criteria provided, multiple submitters, no conflicts (2 of 4 stars). 8 submissions from 6 submitters: Uncertain significance (7). 1 of the submissions does not count toward it. Last evaluated 2026-01-29.

Conditions:
Autosomal recessive nonsyndromic hearing loss 2. Also called: NEUROSENSORY NONSYNDROMIC RECESSIVE DEAFNESS 2; DEAFNESS, AUTOSOMAL RECESSIVE 2. Identifiers: Orphanet 90636, MedGen C1838701, MONDO:0010807, OMIM 600060.
Usher syndrome type 1B (USH1B). Also called: Usher syndrome type IB. Identifiers: MedGen C1848638, MONDO:0700087.
Usher syndrome type 1 (USH1). Also called: RETINITIS PIGMENTOSA AND CONGENITAL DEAFNESS. Identifiers: Orphanet 231169, Orphanet 886, MedGen C1568247, MONDO:0010168, OMIM 276900.
Autosomal dominant nonsyndromic hearing loss 11. Identifiers: Orphanet 90635, MedGen C1832475, MONDO:0011032, OMIM 601317.

Allele frequency attached by ClinVar (database versions not stated): 1000 Genomes Project 0.00020; gnomAD exomes 0.00020 and 0.00035; TOPMed 0.00023; gnomAD 0.00030 and 0.00033; 1000 Genomes Project 30x 0.00031; ExAC 0.00038.
gnomAD v4.1: 338 of 1,603,652 alleles (0.021%); highest among the groups gnomAD compares: Admixed American, 0.051%; no homozygotes.

Submissions (8):

Labcorp Genetics (formerly Invitae), Labcorp
Classification: Uncertain significance. Last evaluated: 2026-01-29. Review status: criteria provided, single submitter. Criteria: Invitae Variant Classification Sherloc (09022015). Collection method: clinical testing. Allele origin: germline.
Comment: This sequence change falls in intron 19 of the MYO7A gene. It does not directly change the encoded amino acid sequence of the MYO7A protein. It affects a nucleotide within the consensus splice site. This variant is present in population databases (rs540145750, gnomAD 0.2%). This variant has been observed in individual(s) with MYO7A-related conditions (PMID: 37204857). ClinVar contains an entry for this variant (Variation ID: 306174). Variants that disrupt the consensus splice site are a relatively common cause of aberrant splicing (PMID: 17576681, 9536098). Algorithms developed to predict the effect of sequence changes on RNA splicing suggest that this variant may disrupt the consensus splice site. In summary, the available evidence is currently insufficient to determine the role of this variant in disease. Therefore, it has been classified as a Variant of Uncertain Significance.

Blueprint Genetics
Classification: Uncertain significance. Last evaluated: 2024-11-11. Review status: criteria provided, single submitter. Criteria: ACMG Guidelines, 2015. Collection method: clinical testing. Allele origin: germline.

GeneDx
Classification: Uncertain significance. Last evaluated: 2019-06-18. Review status: criteria provided, single submitter. Criteria: GeneDx Variant Classification Process June 2021. Collection method: clinical testing. Allele origin: germline. Affected: yes.
Comment: In silico analysis, which includes splice predictors and evolutionary conservation, suggests this variant may impact gene splicing. In the absence of RNA/functional studies, the actual effect of this sequence change is unknown.; Has not been previously published as pathogenic or benign to our knowledge

Illumina Laboratory Services, Illumina
Classification: Uncertain significance for Autosomal recessive nonsyndromic hearing loss 2. Last evaluated: 2018-01-13. Review status: criteria provided, single submitter. Criteria: ICSL Variant Classification Criteria 13 December 2019. Collection method: clinical testing. Allele origin: germline.

Illumina Laboratory Services, Illumina
Classification: Uncertain significance for Usher syndrome type 1. Last evaluated: 2018-01-13. Review status: criteria provided, single submitter. Criteria: ICSL Variant Classification Criteria 13 December 2019. Collection method: clinical testing. Allele origin: germline.

Illumina Laboratory Services, Illumina
Classification: Uncertain significance for Autosomal dominant nonsyndromic hearing loss 11. Last evaluated: 2018-01-13. Review status: criteria provided, single submitter. Criteria: ICSL Variant Classification Criteria 13 December 2019. Collection method: clinical testing. Allele origin: germline.

Laboratory for Molecular Medicine, Mass General Brigham Personalized Medicine
Classification: Uncertain significance. Last evaluated: 2017-08-03. Review status: criteria provided, single submitter. Criteria: LMM Criteria. Collection method: clinical testing. Allele origin: germline. Observed: 1 variant allele.
Comment: Variant classified as Uncertain Significance - Favor Benign. The c.2282+5G>A var iant in MYO7A has not been previously reported in individuals with hearing loss, but has been identified in 0.18% (45/24682) of Finnish chromosomes and 0.03% (9 0/260052) of all chromosomes by the Genome Aggregation Database (gnomAD; dbSNP rs540145750). Although this variant has been se en in the general population, its frequency is not high enough to rule out a pat hogenic role. This variant is located in the 5' splice region. Computational too ls do not suggest an impact to splicing. However, this information is not predic tive enough to rule out pathogenicity. In summary, while the clinical significan ce of the c.2282+5G>A variant is uncertain, its frequency in the general populat ion suggests that it is more likely to be benign.

Natera, Inc.
Classification: Uncertain significance for Usher syndrome type 1B. Last evaluated: 2020-01-24. Review status: no assertion criteria provided. Collection method: clinical testing. Allele origin: germline. Not counted in ClinVar's aggregate classification.

Literature cited by the submitters: PubMed 37204857 (cited by Labcorp Genetics (formerly Invitae), Labcorp); PubMed 17576681 (cited by Labcorp Genetics (formerly Invitae), Labcorp); PubMed 9536098 (cited by Labcorp Genetics (formerly Invitae), Labcorp).